The following is an entry in ClinVar:

ClinVar aggregate classification (germline): Uncertain significance (1 of 4 stars; one submission).

Conditions:
Early-infantile DEE. Also called: Early infantile epileptic encephalopathy; Early infantile epileptic encephalopathy with suppression bursts; Ohtahara syndrome. Identifiers: Orphanet 1934, MedGen C0393706, MONDO:0800491.

Submission:

Labcorp Genetics (formerly Invitae), Labcorp
Classification: Uncertain significance for Early-infantile DEE. Last evaluated: 2023-08-10. Review status: criteria provided, single submitter. Criteria: Invitae Variant Classification Sherloc (09022015). Collection method: clinical testing. Allele origin: germline.
Comment: In summary, the available evidence is currently insufficient to determine the role of this variant in disease. Therefore, it has been classified as a Variant of Uncertain Significance. This variant has not been reported in the literature in individuals affected with HCN1-related conditions. This variant is not present in population databases (gnomAD no frequency). This sequence change creates a premature translational stop signal (p.Gln344Alafs*28) in the HCN1 gene. It is expected to result in an absent or disrupted protein product. However, the current clinical and genetic evidence is not sufficient to establish whether loss-of-function variants in HCN1 cause disease.

NM_021072.4(HCN1):c.1025dup (p.Gln344fs)

Gene: HCN1 (hyperpolarization activated cyclic nucleotide gated potassium channel 1; minus strand). Cytogenetic location: 5p12.
Variant type: Duplication.
Coding change: c.1025dup on transcript NM_021072.4 (MANE Select); coding-DNA position 1025, one base duplicated (G; older notation c.1025dupG).
Protein change: p.Gln344fs; shifts the reading frame from glutamine 344.
Molecular consequence: frameshift variant.
Genome position (GRCh38, 1-based): chr5:45,396,697, C duplicated on the plus strand (G on the coding strand, the reverse complement: HCN1 is on the minus strand); the first of 4 consecutive C bases (chr5:45,396,697-45,396,700); duplicating any one gives the same sequence. VCF-style (leftmost placement, unchanged base first): chr5-45396696-T-TC. GRCh37 (hg19) VCF-style: chr5-45396798-T-TC.
Other names: short protein forms Q344fs.
Identifiers: ClinVar variation 2732880 (VCV002732880.3), dbSNP rs2478007168, ClinGen allele CA2697547175.